The following is an entry in ClinVar:

ClinVar aggregate classification (germline): Uncertain significance (1 of 4 stars; one submission).

gnomAD v4.1: 5 of 1,609,148 alleles (0.00031%); highest among the groups gnomAD compares: Non-Finnish European, 0.00043%; no homozygotes.

Submission:

Labcorp Genetics (formerly Invitae), Labcorp
Classification: Uncertain significance. Last evaluated: 2024-02-14. Review status: criteria provided, single submitter. Criteria: Invitae Variant Classification Sherloc (09022015). Collection method: clinical testing. Allele origin: germline.
Comment: This sequence change replaces serine, which is neutral and polar, with cysteine, which is neutral and slightly polar, at codon 486 of the MAP3K7 protein (p.Ser486Cys). This variant is present in population databases (rs756301309, gnomAD 0.002%). This variant has not been reported in the literature in individuals affected with MAP3K7-related conditions. An algorithm developed to predict the effect of missense changes on protein structure and function (PolyPhen-2) suggests that this variant is likely to be tolerated. In summary, the available evidence is currently insufficient to determine the role of this variant in disease. Therefore, it has been classified as a Variant of Uncertain Significance.

NM_145331.3(MAP3K7):c.1457C>G (p.Ser486Cys)

Gene: MAP3K7 (mitogen-activated protein kinase kinase kinase 7; minus strand). Cytogenetic location: 6q15.
Variant type: single nucleotide variant.
Coding change: c.1457C>G on transcript NM_145331.3 (MANE Select); coding-DNA position 1457, C replaced by G.
Protein change: p.Ser486Cys; replaces serine 486 with cysteine.
Molecular consequence: missense variant.
Genome position (GRCh38, 1-based): chr6:90,523,683, G>C on the plus strand (C>G on the coding strand, the complement: MAP3K7 is on the minus strand). VCF-style: chr6-90523683-G-C. GRCh37 (hg19) VCF-style: chr6-91233402-G-C.
Other names: c.1376C>G, p.Ser459Cys (NM_003188.4, NM_145333.3); c.1457C>G, p.Ser486Cys (NM_145332.3); short protein forms S486C, S459C.
Identifiers: ClinVar variation 3718081 (VCV003718081.2).